The following is an entry in ClinVar:

ClinVar aggregate classification (germline): Uncertain significance (1 of 4 stars; one submission).

Allele frequency attached by ClinVar (database versions not stated): TOPMed 0.00001.

Submission:

GeneDx
Classification: Uncertain significance. Last evaluated: 2023-12-19. Review status: criteria provided, single submitter. Criteria: GeneDx Variant Classification Process June 2021. Collection method: clinical testing. Allele origin: germline. Affected: yes.
Comment: Not observed at significant frequency in large population cohorts (gnomAD); In silico analysis supports that this missense variant has a deleterious effect on protein structure/function; Has not been previously published as pathogenic or benign to our knowledge

NM_001378328.1(CELSR1):c.4066A>T (p.Thr1356Ser)

Genes: CELSR1 (cadherin EGF LAG seven-pass G-type receptor 1; minus strand), LOC126863170 (CDK7 strongly-dependent group 2 enhancer GRCh37_chr22:46858535-46859734; plus strand). Cytogenetic location: 22q13.31.
Variant type: single nucleotide variant.
Coding change: c.4066A>T on transcript NM_001378328.1 (MANE Select); coding-DNA position 4066, A replaced by T.
Protein change: p.Thr1356Ser; replaces threonine 1356 with serine.
Molecular consequence: missense variant.
Genome position (GRCh38, 1-based): chr22:46,463,824, T>A on the plus strand (A>T on the coding strand, the complement: CELSR1 is on the minus strand). VCF-style: chr22-46463824-T-A. GRCh37 (hg19) VCF-style: chr22-46859721-T-A.
Other names: c.4066A>T, p.Thr1356Ser (NM_014246.4); short protein forms T1356S.
Identifiers: ClinVar variation 2505588 (VCV002505588.2), dbSNP rs1451160937, ClinGen allele CA411933544.